The following is an entry in ClinVar:

NM_001127178.3(PIGG):c.1114+15C>T

Gene: PIGG (phosphatidylinositol glycan anchor biosynthesis class G (EMM blood group); plus strand). Cytogenetic location: 4p16.3.
Variant type: single nucleotide variant.
Coding change: c.1114+15C>T on transcript NM_001127178.3 (MANE Select); 15 bases into the intron after coding-DNA position 1114, C replaced by T.
Molecular consequence: intron variant.
Genome position (GRCh38, 1-based): chr4:516,200, C>T. VCF-style: chr4-516200-C-T. GRCh37 (hg19) VCF-style: chr4-509989-C-T.
Other names: c.-99+15C>T (NM_001345994.2); c.847+15C>T (NM_001345986.2, NM_001345987.2, NM_001289051.2 and 2 more transcripts); c.-374+15C>T (NM_001345991.2); c.85+15C>T (NM_001345988.2); c.-512+15C>T (NM_001345990.2); c.1114+15C>T (NM_017733.5, NM_001345989.2); c.715+15C>T (NM_001289052.2); c.748+15C>T (NM_001289055.2).
Identifiers: ClinVar variation 1668316 (VCV001668316.11), dbSNP rs200262444, ClinGen allele CA2793202.
Genomic context (GRCh38, chr4:516,200, plus strand): 5'-CAGCTTAGTAAACTGTTGCAAGAGAATGTGCCGTCATATGAAAAAGGTCAGTCAACTCAC[C>T]GTTTCGAGCTCTGTCAGAGCTGTGTGTTTCCACTGAGCTCGGGTTTCTCCGATGTGTTTC-3'

ClinVar aggregate classification (germline): Benign/Likely benign. Review status: criteria provided, multiple submitters, no conflicts (2 of 4 stars). 3 submissions from 3 submitters: Benign (1); Likely benign (2). Last evaluated 2025-12-13.

Conditions:
Intellectual disability, autosomal recessive 53 (NEDHSCA). Also called: GLYCOSYLPHOSPHATIDYLINOSITOL BIOSYNTHESIS DEFECT 13; Mental retardation, autosomal recessive 53; NEURODEVELOPMENTAL DISORDER WITH OR WITHOUT HYPOTONIA, SEIZURES, AND CEREBELLAR ATROPHY. Identifiers: Orphanet 488635, MedGen C4310794, MONDO:0014832, OMIM 616917.

Allele frequency attached by ClinVar (database versions not stated): 1000 Genomes Project 30x 0.00016; 1000 Genomes Project 0.00020; ESP Exome Variant Server 0.00046; TOPMed 0.00054; ExAC 0.00114; gnomAD exomes 0.00133; gnomAD 0.00159 and 0.00170.
gnomAD v4.1: 1,028 of 1,570,512 alleles (0.065%); highest among the groups gnomAD compares: African/African-American, 0.15%; 8 homozygotes.

Submissions (3):

Labcorp Genetics (formerly Invitae), Labcorp
Classification: Benign for Intellectual disability, autosomal recessive 53. Last evaluated: 2025-12-13. Review status: criteria provided, single submitter. Criteria: Invitae Variant Classification Sherloc (09022015). Collection method: clinical testing. Allele origin: germline.

Blueprint Genetics
Classification: Likely benign. Last evaluated: 2024-11-21. Review status: criteria provided, single submitter. Criteria: ACMG Guidelines, 2015. Collection method: clinical testing. Allele origin: germline.

GeneDx
Classification: Likely benign. Last evaluated: 2021-06-11. Review status: criteria provided, single submitter. Criteria: GeneDx Variant Classification Process June 2021. Collection method: clinical testing. Allele origin: germline. Affected: yes.
Comment: See Variant Classification Assertion Criteria.